The following is an entry in ClinVar:

NM_005219.5(DIAPH1):c.3183G>C (p.Gln1061His)

Gene: DIAPH1 (diaphanous related formin 1; minus strand). Cytogenetic location: 5q31.3.
Variant type: single nucleotide variant.
Coding change: c.3183G>C on transcript NM_005219.5 (MANE Select); coding-DNA position 3183, G replaced by C.
Protein change: p.Gln1061His; replaces glutamine 1061 with histidine.
Molecular consequence: missense variant.
Genome position (GRCh38, 1-based): chr5:141,527,663, C>G on the plus strand (G>C on the coding strand, the complement: DIAPH1 is on the minus strand). VCF-style: chr5-141527663-C-G. GRCh37 (hg19) VCF-style: chr5-140907230-C-G.
Other names: c.3156G>C, p.Gln1052His (NM_001079812.3); c.3183G>C, p.Gln1061His (NM_001314007.2); short protein forms Q1052H, Q1061H.
Identifiers: ClinVar variation 2940313 (VCV002940313.3), dbSNP rs2513621821, ClinGen allele CA361581563.

ClinVar aggregate classification (germline): Uncertain significance (1 of 4 stars; one submission).

Conditions:
Progressive microcephaly-seizures-cortical blindness-developmental delay syndrome. Also called: Seizures, cortical blindness, and microcephaly syndrome. Identifiers: Orphanet 477814, MedGen C5567650, MONDO:0014714, OMIM 616632.
Autosomal dominant nonsyndromic hearing loss 1. Also called: KONIGSMARK SYNDROME; DEAFNESS, AUTOSOMAL DOMINANT 1, WITH OR WITHOUT THROMBOCYTOPENIA. Identifiers: Orphanet 90635, MedGen C1852282, MONDO:0007424, OMIM 124900.

Submission:

Labcorp Genetics (formerly Invitae), Labcorp
Classification: Uncertain significance for Progressive microcephaly-seizures-cortical blindness-developmental delay syndrome; Autosomal dominant nonsyndromic hearing loss 1. Last evaluated: 2024-05-13. Review status: criteria provided, single submitter. Criteria: Invitae Variant Classification Sherloc (09022015). Collection method: clinical testing. Allele origin: germline.
Comment: This sequence change replaces glutamine, which is neutral and polar, with histidine, which is basic and polar, at codon 1061 of the DIAPH1 protein (p.Gln1061His). This variant is not present in population databases (gnomAD no frequency). This variant has not been reported in the literature in individuals affected with DIAPH1-related conditions. An algorithm developed to predict the effect of missense changes on protein structure and function (PolyPhen-2) suggests that this variant is likely to be disruptive. In summary, the available evidence is currently insufficient to determine the role of this variant in disease. Therefore, it has been classified as a Variant of Uncertain Significance.